The following is an entry in ClinVar:

ClinVar aggregate classification (germline): Benign. Review status: criteria provided, multiple submitters, no conflicts (2 of 4 stars). 3 submissions from 3 submitters: Benign (3). Last evaluated 2021-07-14.

Conditions:
B4GALT1-congenital disorder of glycosylation. Also called: CDG IId; CONGENITAL DISORDER OF GLYCOSYLATION, TYPE IId; B4GALT1-CDG. Identifiers: Orphanet 79332, MedGen C2931009, MONDO:0011772, OMIM 607091.

Allele frequency attached by ClinVar (database versions not stated): gnomAD exomes 0.32485; gnomAD 0.35792 and 0.36204; TOPMed 0.36596; 1000 Genomes Project 30x 0.42224; 1000 Genomes Project 0.42732.
gnomAD v4.1: 398,363 of 1,205,638 alleles (33%); highest among the groups gnomAD compares: East Asian, 58%; 68,950 homozygotes.

Submissions (3):

Genome-Nilou Lab
Classification: Benign for B4GALT1-congenital disorder of glycosylation. Last evaluated: 2021-07-14. Review status: criteria provided, single submitter. Criteria: ACMG Guidelines, 2015. Collection method: clinical testing. Allele origin: germline. Affected: no.

GeneDx
Classification: Benign. Last evaluated: 2018-06-18. Review status: criteria provided, single submitter. Criteria: GeneDx Variant Classification (06012015). Collection method: clinical testing. Allele origin: germline. Affected: yes.
Comment: This variant is considered likely benign or benign based on one or more of the following criteria: it is a conservative change, it occurs at a poorly conserved position in the protein, it is predicted to be benign by multiple in silico algorithms, and/or has population frequency not consistent with disease.

Breakthrough Genomics
Classification: Benign. Review status: criteria provided, single submitter. Criteria: ACMG Guidelines, 2015. Collection method: not provided. Allele origin: germline. Inheritance: Autosomal recessive inheritance. Affected: yes.

NM_001497.4(B4GALT1):c.648+102C>T

Gene: B4GALT1 (beta-1,4-galactosyltransferase 1; minus strand). Cytogenetic location: 9p21.1.
Variant type: single nucleotide variant.
Coding change: c.648+102C>T on transcript NM_001497.4 (MANE Select); 102 bases into the intron after coding-DNA position 648, C replaced by T.
Molecular consequence: intron variant.
Genome position (GRCh38, 1-based): chr9:33,135,087, G>A on the plus strand (C>T on the coding strand, the complement: B4GALT1 is on the minus strand). VCF-style: chr9-33135087-G-A. GRCh37 (hg19) VCF-style: chr9-33135085-G-A.
Other names: c.648+102C>T (NM_001378497.1, NM_001378496.1); c.609+102C>T (NM_001378495.1).
Identifiers: ClinVar variation 676106 (VCV000676106.5), dbSNP rs913214, ClinGen allele CA13068009.